The following is an entry in ClinVar:

ClinVar aggregate classification (germline): Pathogenic (1 of 4 stars; one submission).

Submission:

GeneDx
Classification: Pathogenic. Last evaluated: 2024-03-24. Review status: criteria provided, single submitter. Criteria: GeneDx Variant Classification Process June 2021. Collection method: clinical testing. Allele origin: germline. Affected: yes.
Comment: Frameshift variant predicted to result in protein truncation or nonsense mediated decay in a gene for which loss of function is a known mechanism of disease; Not observed at significant frequency in large population cohorts (gnomAD); This variant is associated with the following publications: (PMID: 29655203)

NM_001165963.4(SCN1A):c.2773del (p.Ser925fs)

Gene: SCN1A (sodium voltage-gated channel alpha subunit 1; minus strand). Cytogenetic location: 2q24.3.
Variant type: Deletion.
Coding change: c.2773del on transcript NM_001165963.4 (MANE Select); coding-DNA position 2773, one base deleted (A; older notation c.2773delA).
Protein change: p.Ser925fs; shifts the reading frame from serine 925.
Molecular consequence: frameshift variant. On other transcripts: non-coding transcript variant (1).
Genome position (GRCh38, 1-based): chr2:166,037,949, T deleted on the plus strand (A on the coding strand, the reverse complement: SCN1A is on the minus strand). VCF-style (leftmost placement, unchanged base first): chr2-166037948-CT-C. GRCh37 (hg19) VCF-style: chr2-166894458-CT-C.
Other names: c.2689del, p.Ser897fs (NM_001165964.3, NM_001353957.2, NM_001353958.2); c.2773del, p.Ser925fs (NM_001202435.3, NM_001353948.2); c.2740del, p.Ser914fs (NM_001353949.2, NM_001353950.2, NM_001353951.2 and 2 more transcripts); c.2737del, p.Ser913fs (NM_001353954.2, NM_001353955.2); c.2686del, p.Ser896fs (NM_001353960.2); c.331del, p.Ser111fs (NM_001353961.2); short protein forms S111fs, S896fs, S897fs, S913fs, S914fs, S925fs.
Identifiers: ClinVar variation 3342341 (VCV003342341.1).